The following is an entry in ClinVar:

NM_013432.5(TONSL):c.1997C>A (p.Ala666Glu)

Genes: TONSL (tonsoku like, DNA repair protein; minus strand), TONSL-AS1 (TONSL antisense RNA 1; plus strand). Cytogenetic location: 8q24.3.
Variant type: single nucleotide variant.
Coding change: c.1997C>A on transcript NM_013432.5 (MANE Select); coding-DNA position 1997, C replaced by A.
Protein change: p.Ala666Glu; replaces alanine 666 with glutamic acid.
Molecular consequence: missense variant.
Genome position (GRCh38, 1-based): chr8:144,436,575, G>T on the plus strand (C>A on the coding strand, the complement: TONSL is on the minus strand). VCF-style: chr8-144436575-G-T. GRCh37 (hg19) VCF-style: chr8-145661958-G-T.
Other names: c.1997C>A (NM_013432.4); short protein forms A666E.
Identifiers: ClinVar variation 1963705 (VCV001963705.6), dbSNP rs747508334, ClinGen allele CA4942972.
Genomic context (GRCh38, chr8:144,436,575, plus strand): 5'-GCGTAGGCACAGCAACCCCAGGGACAAGGGACGCCCTGCTTGCCTTGGCCCGAGGCAGCC[G>T]CCTGGAGCAGCATCTCCATGGCCCTGGCCTTCTGCCGCGTCTCCAGGTCCAGGTCCCTGC-3'
Protein context (NP_038460.4, residues 656-676): KARAMEMLLQ[Ala666Glu]AASGQDPHSS

ClinVar aggregate classification (germline): Uncertain significance. Review status: criteria provided, multiple submitters, no conflicts (2 of 4 stars). 2 submissions from 2 submitters: Uncertain significance (2). Last evaluated 2023-07-25.

Conditions:
Inborn genetic diseases. Identifiers: MedGen C0950123, MeSH D030342.

Submissions (2):

Ambry Genetics
Classification: Uncertain significance for Inborn genetic diseases. Last evaluated: 2023-07-25. Review status: criteria provided, single submitter. Criteria: Ambry Variant Classification Scheme 2023. Collection method: clinical testing. Allele origin: germline.

Labcorp Genetics (formerly Invitae), Labcorp
Classification: Uncertain significance. Last evaluated: 2022-05-30. Review status: criteria provided, single submitter. Criteria: Invitae Variant Classification Sherloc (09022015). Collection method: clinical testing. Allele origin: germline.
Comment: In summary, the available evidence is currently insufficient to determine the role of this variant in disease. Therefore, it has been classified as a Variant of Uncertain Significance. Algorithms developed to predict the effect of missense changes on protein structure and function output the following: SIFT: "Tolerated"; PolyPhen-2: "Benign"; Align-GVGD: "Class C0". The glutamic acid amino acid residue is found in multiple mammalian species, which suggests that this missense change does not adversely affect protein function. This variant has not been reported in the literature in individuals affected with TONSL-related conditions. The frequency data for this variant in the population databases is considered unreliable, as metrics indicate poor data quality at this position in the gnomAD database. This sequence change replaces alanine, which is neutral and non-polar, with glutamic acid, which is acidic and polar, at codon 666 of the TONSL protein (p.Ala666Glu).